The following is an entry in ClinVar:

NM_001387430.1(SH2B1):c.296C>A (p.Ala99Glu)

Gene: SH2B1 (SH2B adaptor protein 1; plus strand). Cytogenetic location: 16p11.2.
Variant type: single nucleotide variant.
Coding change: c.296C>A on transcript NM_001387430.1 (MANE Select); coding-DNA position 296, C replaced by A.
Protein change: p.Ala99Glu; replaces alanine 99 with glutamic acid.
Molecular consequence: missense variant. On other transcripts: intron variant (1).
Genome position (GRCh38, 1-based): chr16:28,866,390, C>A. VCF-style: chr16-28866390-C-A. GRCh37 (hg19) VCF-style: chr16-28877711-C-A.
Other names: c.296C>A, p.Ala99Glu (NM_001145795.2, NM_001145796.2, NM_001145797.2 and 4 more transcripts); c.-26-984C>A (NM_001308294.2); short protein forms A99E.
Identifiers: ClinVar variation 4978922 (VCV004978922.1).

ClinVar aggregate classification (germline): Uncertain significance (1 of 4 stars; one submission).

Conditions:
SH2B1-related disorder. Also called: SH2B1-related condition.

Submission:

PreventionGenetics, part of Exact Sciences
Classification: Uncertain significance for SH2B1-related condition. Last evaluated: 2025-01-06. Review status: criteria provided, single submitter. Criteria: ACMG Guidelines, 2015. Collection method: clinical testing. Allele origin: germline.
Comment: The SH2B1 c.296C>A variant is predicted to result in the amino acid substitution p.Ala99Glu. To our knowledge, this variant has not been reported in the literature. This variant is reported in 0.076% of alleles in individuals of European (Finnish) descent in gnomAD, which is likely too common for an undocumented disease-causing variant. Although we suspect that this variant may be benign, at this time, the clinical significance of this variant is uncertain due to the absence of conclusive functional and genetic evidence.